The following is an entry in ClinVar:

NM_005476.7(GNE):c.1479A>C (p.Gln493His)

Gene: GNE (glucosamine (UDP-N-acetyl)-2-epimerase/N-acetylmannosamine kinase; minus strand). Cytogenetic location: 9p13.3.
Variant type: single nucleotide variant.
Coding change: c.1479A>C on transcript NM_005476.7 (MANE Select); coding-DNA position 1479, A replaced by C.
Protein change: p.Gln493His; replaces glutamine 493 with histidine.
Molecular consequence: missense variant. On other transcripts: intron variant (1).
Genome position (GRCh38, 1-based): chr9:36,222,931, T>G on the plus strand (A>C on the coding strand, the complement: GNE is on the minus strand). VCF-style: chr9-36222931-T-G. GRCh37 (hg19) VCF-style: chr9-36222928-T-G.
Other names: c.1572A>C, p.Gln524His (NM_001128227.3); c.1149A>C, p.Gln383His (NM_001190384.3); c.1302A>C, p.Gln434His (NM_001190388.2, NM_001374798.1); c.1326A>C, p.Gln442His (NM_001374797.1); c.1411+442A>C (NM_001190383.3); short protein forms Q383H, Q434H, Q442H, Q493H, Q524H.
Identifiers: ClinVar variation 2416741 (VCV002416741.3), dbSNP rs749584893, ClinGen allele CA5056476.

ClinVar aggregate classification (germline): Uncertain significance (1 of 4 stars; one submission).

Conditions:
Sialuria. Also called: Sialic Acid Storage Disease; SIALURIA, FRENCH TYPE. Identifiers: Orphanet 3166, MedGen C0342853, MONDO:0010028, OMIM 269921.
GNE myopathy (NM). Also called: INCLUSION BODY MYOPATHY, HEREDITARY, AUTOSOMAL RECESSIVE; INCLUSION BODY MYOPATHY 2, AUTOSOMAL RECESSIVE; NONAKA DISTAL MYOPATHY; MYOPATHY, DISTAL, WITH OR WITHOUT RIMMED VACUOLES; IBM 2; Inclusion body myopathy autosomal recessive. Identifiers: Orphanet 602, MedGen C1853926, MONDO:0011603, OMIM 605820.

Allele frequency attached by ClinVar (database versions not stated): TOPMed below 0.00001; ExAC 0.00001; gnomAD 0.00001.
gnomAD v4.1: 2 of 1,614,044 alleles (0.00012%); highest among the groups gnomAD compares: Admixed American, 0.0017%; no homozygotes.

Submission:

Labcorp Genetics (formerly Invitae), Labcorp
Classification: Uncertain significance for Sialuria; GNE myopathy. Last evaluated: 2022-08-06. Review status: criteria provided, single submitter. Criteria: Invitae Variant Classification Sherloc (09022015). Collection method: clinical testing. Allele origin: germline.
Comment: This sequence change replaces glutamine, which is neutral and polar, with histidine, which is basic and polar, at codon 524 of the GNE protein (p.Gln524His). This variant is present in population databases (rs749584893, gnomAD 0.0009%). This variant has not been reported in the literature in individuals affected with GNE-related conditions. Advanced modeling of protein sequence and biophysical properties (such as structural, functional, and spatial information, amino acid conservation, physicochemical variation, residue mobility, and thermodynamic stability) performed at Invitae indicates that this missense variant is not expected to disrupt GNE protein function. In summary, the available evidence is currently insufficient to determine the role of this variant in disease. Therefore, it has been classified as a Variant of Uncertain Significance.